The following is an entry in ClinVar:

ClinVar aggregate classification (germline): Pathogenic (1 of 4 stars; one submission).

Conditions:
Hypertrophic cardiomyopathy. Also called: HYPERTROPHIC MYOCARDIOPATHY. Identifiers: Orphanet 217569, MedGen C0007194, MeSH D002312, MONDO:0005045, HP:0001639.

Submission:

Labcorp Genetics (formerly Invitae), Labcorp
Classification: Pathogenic for Hypertrophic cardiomyopathy. Last evaluated: 2025-04-27. Review status: criteria provided, single submitter. Criteria: Invitae Variant Classification Sherloc (09022015). Collection method: clinical testing. Allele origin: germline.
Comment: This variant results in the deletion of exons 16-17 and part of exon 15 (c.1301_1624+8del) of the MYBPC3 gene. It is expected to disrupt RNA splicing. Variants that disrupt the donor or acceptor splice site typically lead to a loss of protein function (PMID: 16199547), and loss-of-function variants in MYBPC3 are known to be pathogenic (PMID: 19574547). This variant is not present in population databases (gnomAD no frequency). This variant has not been reported in the literature in individuals affected with MYBPC3-related conditions. This variant disrupts a region of the MYBPC3 protein in which other variant(s) (p.Arg502Trp) have been determined to be pathogenic (PMID: 12707239, 20378854, 22267749, 23396983). This suggests that this is a clinically significant region of the protein, and that variants that disrupt it are likely to be disease-causing. For these reasons, this variant has been classified as Pathogenic.

Literature cited by the submitters: PubMed 16199547; PubMed 19574547; PubMed 12707239; PubMed 20378854; PubMed 22267749; PubMed 23396983.

NM_000256.3(MYBPC3):c.1301_1624+8del

Gene: MYBPC3 (myosin binding protein C3; minus strand). Cytogenetic location: 11p11.2.
Variant type: Deletion.
Coding change: c.1301_1624+8del on transcript NM_000256.3 (MANE Select); coding-DNA position 1301 through 8 bases into the intron after coding-DNA position 1624, 502 bases deleted.
Molecular consequence: splice acceptor variant, splice donor variant.
Genome position (GRCh38, 1-based): chr11:47,342,570-47,343,071, 502 bases deleted. GRCh37 (hg19): chr11:47,364,126-47,364,627.
Identifiers: ClinVar variation 4718462 (VCV004718462.1).